The following is an entry in ClinVar:

NM_000274.4(OAT):c.901-1G>A

Gene: OAT (ornithine aminotransferase; minus strand). Cytogenetic location: 10q26.13.
Variant type: single nucleotide variant.
Coding change: c.901-1G>A on transcript NM_000274.4 (MANE Select); the canonical splice acceptor site of the intron before coding-DNA position 901, G replaced by A.
Molecular consequence: splice acceptor variant.
Genome position (GRCh38, 1-based): chr10:124,401,840, C>T on the plus strand (G>A on the coding strand, the complement: OAT is on the minus strand). VCF-style: chr10-124401840-C-T. GRCh37 (hg19) VCF-style: chr10-126090409-C-T.
Other names: c.901-1G>A (NM_001322965.2, NM_001322969.2, NM_001322966.2 and 3 more transcripts); c.487-1G>A (NM_001171814.2); c.301-1G>A (NM_001322974.2); c.580-1G>A (NM_001322971.2).
Identifiers: ClinVar variation 1066785 (VCV001066785.9), dbSNP rs1951420329, ClinGen allele CA378634350.
Genomic context (GRCh38, chr10:124,401,840, plus strand): 5'-CCCATGCTCCCCTGGCTTAATGGTCAGCATGATGTCATCATCACACAGCACTGCAGACAC[C>T]TGAAAGACAGTCAATTCACCATGTCATTTCTCAGCACTAAGCATTCTACTAAGCATCCTT-3'

ClinVar aggregate classification (germline): Likely pathogenic (1 of 4 stars; one submission).

Conditions:
Ornithine aminotransferase deficiency (GACR). Also called: HYPERORNITHINEMIA WITH GYRATE ATROPHY OF CHOROID AND RETINA; Ornithine ketoacid aminotransferase deficiency; Gyrate atrophy; Gyrate atrophy of choroid and retina; Girate atrophy of the retina; OAT DEFICIENCY. Identifiers: Orphanet 414, MedGen C0018425, MONDO:0009796, OMIM 258870.

Submission:

Labcorp Genetics (formerly Invitae), Labcorp
Classification: Likely pathogenic for Ornithine aminotransferase deficiency. Last evaluated: 2020-02-04. Review status: criteria provided, single submitter. Criteria: Invitae Variant Classification Sherloc (09022015). Collection method: clinical testing. Allele origin: germline.
Comment: This variant is not present in population databases (ExAC no frequency). This variant has been observed in individual(s) with clinical features of ornithine aminotransferase deficiency (PMID: 27037922). Algorithms developed to predict the effect of sequence changes on RNA splicing suggest that this variant may disrupt the consensus splice site, but this prediction has not been confirmed by published transcriptional studies. Donor and acceptor splice site variants typically lead to a loss of protein function (PMID: 16199547), and loss-of-function variants in OAT are known to be pathogenic (PMID: 1737786, 23076989). In summary, the currently available evidence indicates that the variant is pathogenic, but additional data are needed to prove that conclusively. Therefore, this variant has been classified as Likely Pathogenic. This sequence change affects an acceptor splice site in intron 7 of the OAT gene. It is expected to disrupt RNA splicing and likely results in an absent or disrupted protein product.

Literature cited by the submitters: PubMed 27037922; PubMed 16199547; PubMed 1737786; PubMed 23076989.